The following is an entry in ClinVar:

ClinVar aggregate classification (germline): Uncertain significance (0 of 4 stars; one submission).

Conditions:
Carcinoma of colon (CRC). Also called: Colonic carcinoma; Colon carcinoma. Identifiers: MedGen C0699790, MONDO:0002032.

Allele frequency attached by ClinVar (database versions not stated): TOPMed 0.00003; gnomAD 0.00001 and 0.00002; ExAC 0.00002; ESP Exome Variant Server 0.00015.
gnomAD v4.1: 65 of 1,603,222 alleles (0.0041%); highest among the groups gnomAD compares: Non-Finnish European, 0.0055%; no homozygotes.

Submission:

Immunobiology Lab; University of Kashmir
Classification: Uncertain significance for Carcinoma of colon. Last evaluated: 2015-01-24. Review status: no assertion criteria provided. Collection method: case-control. Allele origin: somatic. Affected: yes. Study: Mutational Hotspot profiling of Tyrosine Kinase domain of VEGF receptors in Human colorectal tumors.
Comment: The variation(s) were confirmed by double pass sequencing of PCR products amplified from genomic DNA of colonic lesions fron colorectal patients

NM_002253.4(KDR):c.3405-4C>T

Gene: KDR (kinase insert domain receptor; minus strand). Cytogenetic location: 4q12.
Variant type: single nucleotide variant.
Coding change: c.3405-4C>T on transcript NM_002253.4 (MANE Select); 4 bases into the intron before coding-DNA position 3405, C replaced by T.
Molecular consequence: intron variant.
Genome position (GRCh38, 1-based): chr4:55,088,977, G>A on the plus strand (C>T on the coding strand, the complement: KDR is on the minus strand). VCF-style: chr4-55088977-G-A. GRCh37 (hg19) VCF-style: chr4-55955144-G-A.
Other names: KT253189.
Identifiers: ClinVar variation 204335 (VCV000204335.3), dbSNP rs370501217, ClinGen allele CA251265.